The following is an entry in ClinVar:

ClinVar aggregate classification (germline): Conflicting classifications of pathogenicity. Review status: criteria provided, conflicting classifications (1 of 4 stars). 2 submissions from 2 submitters: Likely pathogenic (1); Uncertain significance (1). Last evaluated 2026-04-15.

Conditions:
Intellectual disability. Also called: intellectual disabilities; Intellectual developmental disorder; Intellectual functioning disability. Identifiers: MedGen C3714756, MeSH D008607, MONDO:0001071, HP:0001249.

Submissions (2):

GeneDx
Classification: Likely pathogenic. Last evaluated: 2026-04-15. Review status: criteria provided, single submitter. Criteria: GeneDx Variant Classification Process June 2021. Collection method: clinical testing. Allele origin: germline.
Comment: Not observed at significant frequency in large population cohorts (gnomAD); Missense variants in this gene are a common cause of disease and they are underrepresented in the general population; In silico analysis suggests that this missense variant does not alter protein structure/function; Has not been previously published as pathogenic or benign to our knowledge

Cambridge Genomics Laboratory, East Genomic Laboratory Hub, NHS Genomic Medicine Service
Classification: Uncertain significance for Intellectual disability. Last evaluated: 2019-06-28. Review status: criteria provided, single submitter. Criteria: ACGS Best Practice Guidelines for Variant Classification in Rare Disease 2020. Collection method: clinical testing. Allele origin: germline. Affected: yes. Observed: 1 variant allele.

NM_006306.4(SMC1A):c.2096G>A (p.Arg699His)

Gene: SMC1A (structural maintenance of chromosomes 1A; minus strand). Cytogenetic location: Xp11.22.
Variant type: single nucleotide variant.
Coding change: c.2096G>A on transcript NM_006306.4 (MANE Select); coding-DNA position 2096, G replaced by A.
Protein change: p.Arg699His; replaces arginine 699 with histidine.
Molecular consequence: missense variant.
Genome position (GRCh38, 1-based): chrX:53,405,112, C>T on the plus strand (G>A on the coding strand, the complement: SMC1A is on the minus strand). VCF-style: chrX-53405112-C-T. GRCh37 (hg19) VCF-style: chrX-53432044-C-T.
Other names: c.2030G>A, p.Arg677His (NM_001281463.1); short protein forms R677H, R699H.
Identifiers: ClinVar variation 3900196 (VCV003900196.3).